The following is an entry in ClinVar:

NM_014946.4(SPAST):c.1762_1785del (p.Ser588_Ser595del)

Gene: SPAST (spastin; plus strand). Cytogenetic location: 2p22.3.
Variant type: Deletion.
Coding change: c.1762_1785del on transcript NM_014946.4 (MANE Select); coding-DNA positions 1762 to 1785, 24 bases deleted (TCCTTGAAAAAAATAAAACGCAGC).
Protein change: p.Ser588_Ser595del.
Molecular consequence: inframe deletion. On other transcripts: 3 prime UTR variant (1).
Genome position (GRCh38, 1-based): chr2:32,154,407-32,154,430, TCCTTGAAAAAAATAAAACGCAGC deleted. VCF-style (leftmost placement, unchanged base first): chr2-32154406-ATCCTTGAAAAAAATAAAACGCAGC-A. GRCh37 (hg19) VCF-style: chr2-32379475-ATCCTTGAAAAAAATAAAACGCAGC-A.
Other names: c.1759_1782del, p.Ser587_Ser594del (NM_001363823.2); c.1663_1686del, p.Ser555_Ser562del (NM_001363875.2); c.*35_*58del (NM_001377959.1); c.1666_1689del, p.Ser556_Ser563del (NM_199436.2).
Identifiers: ClinVar variation 2715875 (VCV002715875.3), dbSNP rs2465946332, ClinGen allele CA2697547988.

ClinVar aggregate classification (germline): Pathogenic (1 of 4 stars; one submission).

Conditions:
Hereditary spastic paraplegia 4. Also called: Spastic Paraplegia 4; Spastic paraplegia 4, autosomal dominant; Familial spastic paraplegia autosomal dominant 2. Identifiers: Orphanet 100985, MedGen C1866855, MONDO:0008438, OMIM 182601.

Submission:

Labcorp Genetics (formerly Invitae), Labcorp
Classification: Pathogenic for Hereditary spastic paraplegia 4. Last evaluated: 2023-06-15. Review status: criteria provided, single submitter. Criteria: Invitae Variant Classification Sherloc (09022015). Collection method: clinical testing. Allele origin: germline.
Comment: For these reasons, this variant has been classified as Pathogenic. This variant disrupts a region of the SPAST protein in which other variant(s) (p.Ile592Lys) have been determined to be pathogenic (PMID: 31157359; Invitae). This suggests that this is a clinically significant region of the protein, and that variants that disrupt it are likely to be disease-causing. This variant has not been reported in the literature in individuals affected with SPAST-related conditions. This variant is not present in population databases (gnomAD no frequency). This variant, c.1762_1785del, results in the deletion of 8 amino acid(s) of the SPAST protein (p.Ser588_Ser595del), but otherwise preserves the integrity of the reading frame.

Literature cited by the submitters: PubMed 31157359.